The following is an entry in ClinVar:

NM_004646.4(NPHS1):c.1661dup (p.Ser555fs)

Gene: NPHS1 (NPHS1 adhesion molecule, nephrin; minus strand). Cytogenetic location: 19q13.12.
Variant type: Duplication.
Coding change: c.1661dup on transcript NM_004646.4 (MANE Select); coding-DNA position 1661, one base duplicated (C; older notation c.1661dupC).
Protein change: p.Ser555fs; shifts the reading frame from serine 555.
Molecular consequence: frameshift variant.
Genome position (GRCh38, 1-based): chr19:35,845,765, G duplicated on the plus strand (C on the coding strand, the reverse complement: NPHS1 is on the minus strand). VCF-style (leftmost placement, unchanged base first): chr19-35845764-T-TG. GRCh37 (hg19) VCF-style: chr19-36336666-T-TG.
Other names: short protein forms S555fs.
Identifiers: ClinVar variation 2704487 (VCV002704487.3), dbSNP rs2513773831, ClinGen allele CA2697556470.

ClinVar aggregate classification (germline): Pathogenic (1 of 4 stars; one submission).

Submission:

Labcorp Genetics (formerly Invitae), Labcorp
Classification: Pathogenic. Last evaluated: 2023-11-06. Review status: criteria provided, single submitter. Criteria: Invitae Variant Classification Sherloc (09022015). Collection method: clinical testing. Allele origin: germline.
Comment: This sequence change creates a premature translational stop signal (p.Ser555Ilefs*119) in the NPHS1 gene. It is expected to result in an absent or disrupted protein product. Loss-of-function variants in NPHS1 are known to be pathogenic (PMID: 11317351, 11854170, 12039988). This variant is not present in population databases (gnomAD no frequency). This variant has not been reported in the literature in individuals affected with NPHS1-related conditions. For these reasons, this variant has been classified as Pathogenic.

Literature cited by the submitters: PubMed 11317351; PubMed 11854170; PubMed 12039988.